The following is an entry in ClinVar:

NM_139343.3(BIN1):c.1710C>G (p.Asp570Glu)

Gene: BIN1 (bridging integrator 1; minus strand). Cytogenetic location: 2q14.3.
Variant type: single nucleotide variant.
Coding change: c.1710C>G on transcript NM_139343.3 (MANE Select); coding-DNA position 1710, C replaced by G.
Protein change: p.Asp570Glu; replaces aspartic acid 570 with glutamic acid.
Molecular consequence: missense variant.
Genome position (GRCh38, 1-based): chr2:127,048,598, G>C on the plus strand (C>G on the coding strand, the complement: BIN1 is on the minus strand). VCF-style: chr2-127048598-G-C. GRCh37 (hg19) VCF-style: chr2-127806174-G-C.
Other names: c.1203C>G, p.Asp401Glu (NM_001320632.2); c.1341C>G, p.Asp447Glu (NM_001320633.2); c.1086C>G, p.Asp362Glu (NM_001320634.1); c.1470C>G, p.Asp490Glu (NM_001320640.2); c.1617C>G, p.Asp539Glu (NM_001320641.2); c.1629C>G, p.Asp543Glu (NM_001320642.1); c.1293C>G, p.Asp431Glu (NM_004305.4); c.1581C>G, p.Asp527Glu (NM_139344.3); and 7 more; short protein forms D386E, D452E, D459E, D539E, D401E, D431E, D447E, D474E.
Identifiers: ClinVar variation 858994 (VCV000858994.10), dbSNP rs587783342, ClinGen allele CA1856933.
Genomic context (GRCh38, chr2:127,048,598, plus strand): 5'-CTCAGTGAAGTTCTCGGGGAAGACGCCACGGCACTTCTCCAGCTCCTTGTGCTGGTTCCA[G>C]TCGCTCTCCTTCACGCCCATGAGCCAGCCTTCATCCTGAGGGGCAGAGCACCAGGTCGCA-3'
Protein context (NP_647593.1, residues 560-580): EGWLMGVKES[Asp570Glu]WNQHKELEKC

ClinVar aggregate classification (germline): Uncertain significance. Review status: criteria provided, multiple submitters, no conflicts (2 of 4 stars). 3 submissions from 3 submitters: Uncertain significance (3). Last evaluated 2024-08-27.

Conditions:
Inborn genetic diseases. Identifiers: MedGen C0950123, MeSH D030342.
Myopathy, centronuclear, 2 (CNM2). Also called: MYOTUBULAR MYOPATHY, AUTOSOMAL RECESSIVE. Identifiers: Orphanet 169186, MedGen CN031787, MONDO:0009709, OMIM 255200.

Allele frequency attached by ClinVar (database versions not stated): gnomAD 0.00003; TOPMed 0.00003.
gnomAD v4.1: 84 of 1,613,456 alleles (0.0052%); highest among the groups gnomAD compares: Non-Finnish European, 0.0069%; no homozygotes.

Submissions (3):

Revvity Omics, Revvity
Classification: Uncertain significance for Myopathy, centronuclear, 2. Last evaluated: 2024-08-27. Review status: criteria provided, single submitter. Criteria: ACMG Guidelines, 2015. Collection method: clinical testing. Allele origin: germline.

Ambry Genetics
Classification: Uncertain significance for Inborn genetic diseases. Last evaluated: 2021-08-23. Review status: criteria provided, single submitter. Criteria: Ambry Variant Classification Scheme 2023. Collection method: clinical testing. Allele origin: germline.

Labcorp Genetics (formerly Invitae), Labcorp
Classification: Uncertain significance for Myopathy, centronuclear, 2. Last evaluated: 2021-08-13. Review status: criteria provided, single submitter. Criteria: Invitae Variant Classification Sherloc (09022015). Collection method: clinical testing. Allele origin: germline.
Comment: This sequence change replaces aspartic acid with glutamic acid at codon 570 of the BIN1 protein (p.Asp570Glu). The aspartic acid residue is moderately conserved and there is a small physicochemical difference between aspartic acid and glutamic acid. This variant is present in population databases (rs587783342, ExAC 0.003%). This missense change has been observed in individual(s) with clinical features of BIN1-related conditions (Invitae). Algorithms developed to predict the effect of missense changes on protein structure and function are either unavailable or do not agree on the potential impact of this missense change (SIFT: "Deleterious"; PolyPhen-2: "Probably Damaging"; Align-GVGD: "Class C0"). In summary, the available evidence is currently insufficient to determine the role of this variant in disease. Therefore, it has been classified as a Variant of Uncertain Significance.